The following is an entry in ClinVar:

ClinVar aggregate classification (germline): Uncertain significance (1 of 4 stars; one submission).

gnomAD v4.1: 1 of 1,614,252 alleles (0.000062%); highest among the groups gnomAD compares: Non-Finnish European, 0.000085%; no homozygotes.

Submission:

Labcorp Genetics (formerly Invitae), Labcorp
Classification: Uncertain significance. Last evaluated: 2023-10-20. Review status: criteria provided, single submitter. Criteria: Invitae Variant Classification Sherloc (09022015). Collection method: clinical testing. Allele origin: germline.
Comment: This sequence change replaces methionine, which is neutral and non-polar, with valine, which is neutral and non-polar, at codon 214 of the HK1 protein (p.Met214Val). This variant is not present in population databases (gnomAD no frequency). This variant has not been reported in the literature in individuals affected with HK1-related conditions. Advanced modeling of protein sequence and biophysical properties (such as structural, functional, and spatial information, amino acid conservation, physicochemical variation, residue mobility, and thermodynamic stability) performed at Invitae indicates that this missense variant is expected to disrupt HK1 protein function. In summary, the available evidence is currently insufficient to determine the role of this variant in disease. Therefore, it has been classified as a Variant of Uncertain Significance.

NM_000188.3(HK1):c.640A>G (p.Met214Val)

Gene: HK1 (hexokinase 1; plus strand). Cytogenetic location: 10q22.1.
Variant type: single nucleotide variant.
Coding change: c.640A>G on transcript NM_000188.3 (MANE Select); coding-DNA position 640, A replaced by G.
Protein change: p.Met214Val; replaces methionine 214 with valine.
Molecular consequence: missense variant.
Genome position (GRCh38, 1-based): chr10:69,369,285, A>G. VCF-style: chr10-69369285-A-G. GRCh37 (hg19) VCF-style: chr10-71129041-A-G.
Other names: c.652A>G, p.Met218Val (NM_001322364.2, NM_001358263.1, NM_033497.3 and 1 more transcripts); c.745A>G, p.Met249Val (NM_001322365.2); c.556A>G, p.Met186Val (NM_001322366.1); c.544A>G, p.Met182Val (NM_001322367.1); c.637A>G, p.Met213Val (NM_033496.3); c.604A>G, p.Met202Val (NM_033500.2); short protein forms M182V, M213V, M249V, M218V, M186V, M202V, M214V.
Identifiers: ClinVar variation 2766984 (VCV002766984.3), dbSNP rs2540369225, ClinGen allele CA376913947.